The following is an entry in ClinVar:

NM_032119.4(ADGRV1):c.14567T>G (p.Met4856Arg)

Gene: ADGRV1 (adhesion G protein-coupled receptor V1; plus strand). Cytogenetic location: 5q14.3.
Variant type: single nucleotide variant.
Coding change: c.14567T>G on transcript NM_032119.4 (MANE Select); coding-DNA position 14567, T replaced by G.
Protein change: p.Met4856Arg; replaces methionine 4856 with arginine.
Molecular consequence: missense variant. On other transcripts: non-coding transcript variant (1).
Genome position (GRCh38, 1-based): chr5:90,802,788, T>G. VCF-style: chr5-90802788-T-G. GRCh37 (hg19) VCF-style: chr5-90098605-T-G.
Other names: c.14567T>G (NM_032119.3); short protein forms M4856R.
Identifiers: ClinVar variation 1357216 (VCV001357216.9), dbSNP rs565755832, ClinGen allele CA122816706.

ClinVar aggregate classification (germline): Uncertain significance. Review status: criteria provided, multiple submitters, no conflicts (2 of 4 stars). 3 submissions from 3 submitters: Uncertain significance (3). Last evaluated 2025-06-07.

Conditions:
Febrile seizures, familial, 4 (FEB4). Also called: CONVULSIONS, FAMILIAL FEBRILE, 4. Identifiers: MedGen C1858493, MONDO:0011443, OMIM 604352.
Inborn genetic diseases. Identifiers: MedGen C0950123, MeSH D030342.

Allele frequency attached by ClinVar (database versions not stated): TOPMed 0.00001.
gnomAD v4.1: 12 of 1,613,274 alleles (0.00074%); highest among the groups gnomAD compares: African/African-American, 0.008%; 1 homozygote.

Submissions (3):

Ambry Genetics
Classification: Uncertain significance for Inborn genetic diseases. Last evaluated: 2025-06-07. Review status: criteria provided, single submitter. Criteria: Ambry Variant Classification Scheme 2023. Collection method: clinical testing. Allele origin: germline.

Genomic Medicine Center of Excellence, King Faisal Specialist Hospital and Research Centre
Classification: Uncertain significance for Febrile seizures, familial, 4. Last evaluated: 2024-03-26. Review status: criteria provided, single submitter. Criteria: ACMG Guidelines, 2015. Collection method: clinical testing. Allele origin: germline.

Labcorp Genetics (formerly Invitae), Labcorp
Classification: Uncertain significance. Last evaluated: 2023-12-11. Review status: criteria provided, single submitter. Criteria: Invitae Variant Classification Sherloc (09022015). Collection method: clinical testing. Allele origin: germline.
Comment: This sequence change replaces methionine, which is neutral and non-polar, with arginine, which is basic and polar, at codon 4856 of the ADGRV1 protein (p.Met4856Arg). This variant is not present in population databases (gnomAD no frequency). This variant has not been reported in the literature in individuals affected with ADGRV1-related conditions. ClinVar contains an entry for this variant (Variation ID: 1357216). Advanced modeling of protein sequence and biophysical properties (such as structural, functional, and spatial information, amino acid conservation, physicochemical variation, residue mobility, and thermodynamic stability) performed at Invitae indicates that this missense variant is not expected to disrupt ADGRV1 protein function with a negative predictive value of 95%. In summary, the available evidence is currently insufficient to determine the role of this variant in disease. Therefore, it has been classified as a Variant of Uncertain Significance.